The following is an entry in ClinVar:

NM_004415.4(DSP):c.5590C>A (p.Leu1864Met)

Gene: DSP (desmoplakin; plus strand). Cytogenetic location: 6p24.3.
Variant type: single nucleotide variant.
Coding change: c.5590C>A on transcript NM_004415.4 (MANE Select); coding-DNA position 5590, C replaced by A.
Protein change: p.Leu1864Met; replaces leucine 1864 with methionine.
Molecular consequence: missense variant.
Genome position (GRCh38, 1-based): chr6:7,582,852, C>A. VCF-style: chr6-7582852-C-A. GRCh37 (hg19) VCF-style: chr6-7583085-C-A.
Other names: c.3793C>A, p.Leu1265Met (NM_001008844.3); c.4261C>A, p.Leu1421Met (NM_001319034.2); short protein forms L1421M, L1864M, L1265M.
Identifiers: ClinVar variation 2924862 (VCV002924862.3), dbSNP rs2533936528, ClinGen allele CA362688963.

ClinVar aggregate classification (germline): Uncertain significance (1 of 4 stars; one submission).

Conditions:
Arrhythmogenic cardiomyopathy with wooly hair and keratoderma. Also called: Dilated cardiomyopathy with woolly hair and keratoderma; Arrhythmogenic cardiomyopathy with woolly hair and keratoderma; PALMOPLANTAR KERATODERMA WITH LEFT VENTRICULAR CARDIOMYOPATHY AND WOOLLY HAIR; Carvajal syndrome. Identifiers: Orphanet 65282, MedGen C1854063, MONDO:0011581, OMIM 605676.
Arrhythmogenic right ventricular dysplasia 8 (ARVD8). Also called: Arrhythmogenic Right Ventricular Dysplasia/Cardiomyopathy 8; ARRHYTHMOGENIC RIGHT VENTRICULAR DYSPLASIA, FAMILIAL, 8; ARRHYTHMOGENIC RIGHT VENTRICULAR CARDIOMYOPATHY 8. Identifiers: MedGen C1843896, MONDO:0011831, OMIM 607450.

Submission:

Labcorp Genetics (formerly Invitae), Labcorp
Classification: Uncertain significance for Arrhythmogenic cardiomyopathy with wooly hair and keratoderma; Arrhythmogenic right ventricular dysplasia 8. Last evaluated: 2023-02-27. Review status: criteria provided, single submitter. Criteria: Invitae Variant Classification Sherloc (09022015). Collection method: clinical testing. Allele origin: germline.
Comment: This variant is not present in population databases (gnomAD no frequency). This sequence change replaces leucine, which is neutral and non-polar, with methionine, which is neutral and non-polar, at codon 1864 of the DSP protein (p.Leu1864Met). In summary, the available evidence is currently insufficient to determine the role of this variant in disease. Therefore, it has been classified as a Variant of Uncertain Significance. An algorithm developed to predict the effect of missense changes on protein structure and function (PolyPhen-2) suggests that this variant is likely to be disruptive. This variant has not been reported in the literature in individuals affected with DSP-related conditions.